The following is an entry in ClinVar:

NM_004371.4(COPA):c.3394G>C (p.Gly1132Arg)

Gene: COPA (coat protein complex I subunit alpha; minus strand). Cytogenetic location: 1q23.2.
Variant type: single nucleotide variant.
Coding change: c.3394G>C on transcript NM_004371.4 (MANE Select); coding-DNA position 3394, G replaced by C.
Protein change: p.Gly1132Arg; replaces glycine 1132 with arginine.
Molecular consequence: missense variant.
Genome position (GRCh38, 1-based): chr1:160,291,361, C>G on the plus strand (G>C on the coding strand, the complement: COPA is on the minus strand). VCF-style: chr1-160291361-C-G. GRCh37 (hg19) VCF-style: chr1-160261151-C-G.
Other names: c.3421G>C, p.Gly1141Arg (NM_001098398.2); short protein forms G1132R, G1141R.
Identifiers: ClinVar variation 2717835 (VCV002717835.3), dbSNP rs1384001854, ClinGen allele CA343270719.

ClinVar aggregate classification (germline): Uncertain significance (1 of 4 stars; one submission).

Conditions:
Autoimmune interstitial lung disease-arthritis syndrome. Also called: Autoinflammation and autoimmunity, systemic, with immune dysregulation. Identifiers: Orphanet 444092, MedGen C5975714, MONDO:0014629.

gnomAD v4.1: 5 of 1,613,822 alleles (0.00031%); highest among the groups gnomAD compares: Non-Finnish European, 0.00042%; no homozygotes.

Submission:

Labcorp Genetics (formerly Invitae), Labcorp
Classification: Uncertain significance for Autoimmune interstitial lung disease-arthritis syndrome. Last evaluated: 2023-06-16. Review status: criteria provided, single submitter. Criteria: Invitae Variant Classification Sherloc (09022015). Collection method: clinical testing. Allele origin: germline.
Comment: In summary, the available evidence is currently insufficient to determine the role of this variant in disease. Therefore, it has been classified as a Variant of Uncertain Significance. Advanced modeling of protein sequence and biophysical properties (such as structural, functional, and spatial information, amino acid conservation, physicochemical variation, residue mobility, and thermodynamic stability) performed at Invitae indicates that this missense variant is expected to disrupt COPA protein function. This variant has not been reported in the literature in individuals affected with COPA-related conditions. This variant is present in population databases (no rsID available, gnomAD 0.0009%). This sequence change replaces glycine, which is neutral and non-polar, with arginine, which is basic and polar, at codon 1132 of the COPA protein (p.Gly1132Arg).